The following is an entry in ClinVar:

ClinVar aggregate classification (germline): Uncertain significance (1 of 4 stars; one submission).

Conditions:
Isolated microphthalmia 5. Also called: Posterior Microphthalmia with Retinitis Pigmentosa, Foveoschisis, and Optic Disc Drusen. Identifiers: Orphanet 251279, MedGen C1970236, MONDO:0012605, OMIM 611040.

Allele frequency attached by ClinVar (database versions not stated): gnomAD 0.00001; gnomAD exomes 0.00001 and 0.00002; TOPMed below 0.00001; ExAC 0.00001.
gnomAD v4.1: 6 of 1,613,950 alleles (0.00037%); highest among the groups gnomAD compares: Admixed American, 0.01%; no homozygotes.

Submission:

Labcorp Genetics (formerly Invitae), Labcorp
Classification: Uncertain significance for Isolated microphthalmia 5. Last evaluated: 2022-11-22. Review status: criteria provided, single submitter. Criteria: Invitae Variant Classification Sherloc (09022015). Collection method: clinical testing. Allele origin: germline.
Comment: In summary, the available evidence is currently insufficient to determine the role of this variant in disease. Therefore, it has been classified as a Variant of Uncertain Significance. Advanced modeling of protein sequence and biophysical properties (such as structural, functional, and spatial information, amino acid conservation, physicochemical variation, residue mobility, and thermodynamic stability) performed at Invitae indicates that this missense variant is expected to disrupt MFRP protein function. ClinVar contains an entry for this variant (Variation ID: 1480546). This variant has not been reported in the literature in individuals affected with MFRP-related conditions. This variant is present in population databases (rs770535106, gnomAD 0.02%). This sequence change replaces asparagine, which is neutral and polar, with lysine, which is basic and polar, at codon 23 of the MFRP protein (p.Asn23Lys).

NM_031433.4(MFRP):c.69T>A (p.Asn23Lys)

Genes: C1QTNF5 (C1q and TNF related 5; minus strand), MFRP (membrane frizzled-related protein; minus strand). Cytogenetic location: 11q23.3.
Variant type: single nucleotide variant.
Coding change: c.69T>A on transcript NM_031433.4 (MANE Select); coding-DNA position 69, T replaced by A.
Protein change: p.Asn23Lys; replaces asparagine 23 with lysine.
Molecular consequence: missense variant. On other transcripts: 5 prime UTR variant (1).
Genome position (GRCh38, 1-based): chr11:119,346,360, A>T on the plus strand (T>A on the coding strand, the complement: MFRP is on the minus strand). VCF-style: chr11-119346360-A-T. GRCh37 (hg19) VCF-style: chr11-119217070-A-T.
Other names: c.-2568T>A (NM_015645.5); short protein forms N23K.
Identifiers: ClinVar variation 1480546 (VCV001480546.6), dbSNP rs770535106, ClinGen allele CA6320715.